The following is an entry in ClinVar:

ClinVar aggregate classification (germline): Pathogenic (1 of 4 stars; one submission).

Conditions:
Thyroid dyshormonogenesis 6 (TDH6). Also called: HYPOTHYROIDISM, CONGENITAL, DUE TO DYSHORMONOGENESIS, 6; Genetic transient congenital hypothyroidism; THYROID HORMONOGENESIS, GENETIC DEFECT IN, 6. Identifiers: Orphanet 226316, Orphanet 95716, MedGen C1846632, MONDO:0011792, OMIM 607200.

gnomAD v4.1: 1 of 1,614,236 alleles (0.000062%); highest among the groups gnomAD compares: South Asian, 0.0011%; no homozygotes.

Submission:

Paediatric Laboratory, Institute for Maternal and Child Health - IRCCS Burlo Garofolo
Classification: Pathogenic for Thyroid dyshormonogenesis 6. Last evaluated: 2024-12-02. Review status: criteria provided, single submitter. Criteria: ACMG Guidelines, 2015. Collection method: clinical testing. Allele origin: germline. Affected: yes.
Comment: The NM_014080.5:c.4222C>T variant is predicted to result in the substitution of the glutammine residue in position 1408 with a premature stop codon. Loss-of-function variants in DUOX2 are well-established as disease-causing [PVS1]. The variant has been identified in a single individual in the gnomAD v4.1.0 population database, providing further evidence for its pathogenicity [PM2].

NM_001363711.2(DUOX2):c.4222C>T (p.Gln1408Ter)

Gene: DUOX2 (dual oxidase 2; minus strand). Cytogenetic location: 15q21.1.
Variant type: single nucleotide variant.
Coding change: c.4222C>T on transcript NM_001363711.2 (MANE Select); coding-DNA position 4222, C replaced by T.
Protein change: p.Gln1408Ter; replaces glutamine 1408 with a stop codon.
Molecular consequence: nonsense.
Genome position (GRCh38, 1-based): chr15:45,095,454, G>A on the plus strand (C>T on the coding strand, the complement: DUOX2 is on the minus strand). VCF-style: chr15-45095454-G-A. GRCh37 (hg19) VCF-style: chr15-45387652-G-A.
Other names: NM_001363711.2:c.4222C>T; NP_001350640.1:p.(Gln1408*); NP_054799.4:p.(Gln1408*); c.4222C>T, p.Gln1408Ter (NM_014080.5); short protein forms Q1408*.
Identifiers: ClinVar variation 3393347 (VCV003393347.2).